The following is an entry in ClinVar:

ClinVar aggregate classification (germline): Pathogenic (1 of 4 stars; one submission).

Conditions:
Leber congenital amaurosis 4 (LCA4). Identifiers: MedGen C1858386, MONDO:0011458, OMIM 604393.

Submission:

Labcorp Genetics (formerly Invitae), Labcorp
Classification: Pathogenic for Leber congenital amaurosis 4. Last evaluated: 2021-02-02. Review status: criteria provided, single submitter. Criteria: Invitae Variant Classification Sherloc (09022015). Collection method: clinical testing. Allele origin: germline.
Comment: For these reasons, this variant has been classified as Pathogenic. This variant has been observed in individual(s) with Leber congenital amaurosis (PMID: 26047050). This variant is not present in population databases (ExAC no frequency). This sequence change creates a premature translational stop signal (p.Gln109*) in the AIPL1 gene. It is expected to result in an absent or disrupted protein product. Loss-of-function variants in AIPL1 are known to be pathogenic (PMID: 10615133, 15249368, 15347646).

Literature cited by the submitters: PubMed 26047050; PubMed 10615133; PubMed 15249368; PubMed 15347646.

NM_014336.5(AIPL1):c.325C>T (p.Gln109Ter)

Gene: AIPL1 (AIP like 1 HSP90 co-chaperone; minus strand). Cytogenetic location: 17p13.2.
Variant type: single nucleotide variant.
Coding change: c.325C>T on transcript NM_014336.5 (MANE Select); coding-DNA position 325, C replaced by T.
Protein change: p.Gln109Ter; replaces glutamine 109 with a stop codon.
Molecular consequence: nonsense. On other transcripts: intron variant (1).
Genome position (GRCh38, 1-based): chr17:6,428,458, G>A on the plus strand (C>T on the coding strand, the complement: AIPL1 is on the minus strand). VCF-style: chr17-6428458-G-A. GRCh37 (hg19) VCF-style: chr17-6331778-G-A.
Other names: c.145C>T, p.Gln49Ter (NM_001033055.3); c.289C>T, p.Gln97Ter (NM_001285399.3); c.259C>T, p.Gln87Ter (NM_001285400.3); c.325C>T, p.Gln109Ter (NM_001285401.3, NM_001285403.4); c.208C>T, p.Gln70Ter (NM_001285402.2); c.277-1401C>T (NM_001033054.3); short protein forms Q87*, Q70*, Q109*, Q49*, Q97*.
Identifiers: ClinVar variation 1458331 (VCV001458331.8), dbSNP rs1912228419, ClinGen allele CA397396537.